The following is an entry in ClinVar:

NM_000062.3(SERPING1):c.722G>A (p.Arg241Gln)

Gene: SERPING1 (serpin family G member 1; plus strand). Cytogenetic location: 11q12.1.
Variant type: single nucleotide variant.
Coding change: c.722G>A on transcript NM_000062.3 (MANE Select); coding-DNA position 722, G replaced by A.
Protein change: p.Arg241Gln; replaces arginine 241 with glutamine.
Molecular consequence: missense variant.
Genome position (GRCh38, 1-based): chr11:57,606,046, G>A. VCF-style: chr11-57606046-G-A. GRCh37 (hg19) VCF-style: chr11-57373519-G-A.
Other names: c.722G>A, p.Arg241Gln (NM_001032295.2); short protein forms R241Q.
Identifiers: ClinVar variation 2155474 (VCV002155474.4), dbSNP rs139225256, ClinGen allele CA6008115.
Genomic context (GRCh38, chr11:57,606,046, plus strand): 5'-CTCCCTTTCTCAACATACCCCCAGACCTGGCCATAAGGGACACCTTTGTGAATGCCTCTC[G>A]GACCCTGTACAGCAGCAGCCCCAGAGTCCTAAGCAACAACAGTGACGCCAACTTGGAGCT-3'
Protein context (NP_000053.2, residues 231-251): AIRDTFVNAS[Arg241Gln]TLYSSSPRVL

ClinVar aggregate classification (germline): Uncertain significance (1 of 4 stars; one submission).

Allele frequency attached by ClinVar (database versions not stated): ExAC 0.00002; gnomAD 0.00002; TOPMed 0.00002; ESP Exome Variant Server 0.00008; gnomAD exomes 0.00009.

Submission:

Labcorp Genetics (formerly Invitae), Labcorp
Classification: Uncertain significance. Last evaluated: 2023-12-30. Review status: criteria provided, single submitter. Criteria: Invitae Variant Classification Sherloc (09022015). Collection method: clinical testing. Allele origin: germline.
Comment: This sequence change replaces arginine, which is basic and polar, with glutamine, which is neutral and polar, at codon 241 of the SERPING1 protein (p.Arg241Gln). This variant is present in population databases (rs139225256, gnomAD 0.01%). This variant has not been reported in the literature in individuals affected with SERPING1-related conditions. ClinVar contains an entry for this variant (Variation ID: 2155474). Algorithms developed to predict the effect of missense changes on protein structure and function output the following: SIFT: "Not Available"; PolyPhen-2: "Benign"; Align-GVGD: "Not Available". The glutamine amino acid residue is found in multiple mammalian species, which suggests that this missense change does not adversely affect protein function. In summary, the available evidence is currently insufficient to determine the role of this variant in disease. Therefore, it has been classified as a Variant of Uncertain Significance.